The following is an entry in ClinVar:

NM_032620.4(GTPBP3):c.827T>C (p.Ile276Thr)

Gene: GTPBP3 (GTP binding protein 3, mitochondrial; plus strand). Cytogenetic location: 19p13.11.
Variant type: single nucleotide variant.
Coding change: c.827T>C on transcript NM_032620.4 (MANE Select); coding-DNA position 827, T replaced by C.
Protein change: p.Ile276Thr; replaces isoleucine 276 with threonine.
Molecular consequence: missense variant.
Genome position (GRCh38, 1-based): chr19:17,339,452, T>C. VCF-style: chr19-17339452-T-C. GRCh37 (hg19) VCF-style: chr19-17450261-T-C.
Other names: c.827T>C, p.Ile276Thr (NM_001128855.3); c.893T>C, p.Ile298Thr (NM_001195422.1); c.923T>C, p.Ile308Thr (NM_133644.4); c.923T>C (NM_133644.3); short protein forms I276T, I308T, I298T.
Identifiers: ClinVar variation 1968341 (VCV001968341.5), dbSNP rs746950960, ClinGen allele CA9293548.

ClinVar aggregate classification (germline): Uncertain significance. Review status: criteria provided, multiple submitters, no conflicts (2 of 4 stars). 3 submissions from 3 submitters: Uncertain significance (3). Last evaluated 2025-08-05.

Conditions:
Inborn genetic diseases. Identifiers: MedGen C0950123, MeSH D030342.

Allele frequency attached by ClinVar (database versions not stated): ExAC 0.00001; gnomAD exomes 0.00001; TOPMed 0.00001; gnomAD 0.00002.

Submissions (3):

Ambry Genetics
Classification: Uncertain significance for Inborn genetic diseases. Last evaluated: 2025-08-05. Review status: criteria provided, single submitter. Criteria: Ambry Variant Classification Scheme 2023. Collection method: clinical testing. Allele origin: germline.

GeneDx
Classification: Uncertain significance. Last evaluated: 2025-01-29. Review status: criteria provided, single submitter. Criteria: GeneDx Variant Classification Process June 2021. Collection method: clinical testing. Allele origin: germline. Affected: yes.
Comment: Not observed at significant frequency in large population cohorts (gnomAD); In silico analysis supports that this missense variant has a deleterious effect on protein structure/function; Has not been previously published as pathogenic or benign to our knowledge

Labcorp Genetics (formerly Invitae), Labcorp
Classification: Uncertain significance. Last evaluated: 2022-06-09. Review status: criteria provided, single submitter. Criteria: Invitae Variant Classification Sherloc (09022015). Collection method: clinical testing. Allele origin: germline.
Comment: In summary, the available evidence is currently insufficient to determine the role of this variant in disease. Therefore, it has been classified as a Variant of Uncertain Significance. Algorithms developed to predict the effect of missense changes on protein structure and function are either unavailable or do not agree on the potential impact of this missense change (SIFT: "Deleterious"; PolyPhen-2: "Probably Damaging"; Align-GVGD: "Class C0"). This variant has not been reported in the literature in individuals affected with GTPBP3-related conditions. This variant is present in population databases (rs746950960, gnomAD 0.004%). This sequence change replaces isoleucine, which is neutral and non-polar, with threonine, which is neutral and polar, at codon 308 of the GTPBP3 protein (p.Ile308Thr).